The following is an entry in ClinVar:

ClinVar aggregate classification (germline): Uncertain significance. Review status: criteria provided, multiple submitters, no conflicts (2 of 4 stars). 3 submissions from 3 submitters: Uncertain significance (3). Last evaluated 2026-06-17.

Conditions:
Pigmentary pallidal degeneration (NBIA1). Also called: PKAN NEUROAXONAL DYSTROPHY, JUVENILE-ONSET; HARP SYNDROME; Neurodegeneration with brain iron accumulation 1; Pantothenate Kinase-Associated Neurodegeneration; Neuroaxonal dystrophy, late infantile; Hallervorden-Spatz disease. Identifiers: Orphanet 157850, MedGen C0018523, MONDO:0009319, OMIM 234200.
Inborn genetic diseases. Identifiers: MedGen C0950123, MeSH D030342.

Submissions (3):

Ambry Genetics
Classification: Uncertain significance for Inborn genetic diseases. Last evaluated: 2026-06-17. Review status: criteria provided, single submitter. Criteria: Ambry Variant Classification Scheme 2023. Collection method: clinical testing. Allele origin: germline.

Blueprint Genetics
Classification: Uncertain significance. Last evaluated: 2024-07-02. Review status: criteria provided, single submitter. Criteria: ACMG Guidelines, 2015. Collection method: clinical testing. Allele origin: germline.

Labcorp Genetics (formerly Invitae), Labcorp
Classification: Uncertain significance for Pigmentary pallidal degeneration. Last evaluated: 2021-08-13. Review status: criteria provided, single submitter. Criteria: Invitae Variant Classification Sherloc (09022015). Collection method: clinical testing. Allele origin: germline.
Comment: This sequence change replaces alanine with serine at codon 367 of the PANK2 protein (p.Ala367Ser). The alanine residue is moderately conserved and there is a moderate physicochemical difference between alanine and serine. This variant is not present in population databases (ExAC no frequency). This missense change has been observed in individual(s) with clinical features of PANK2-related conditions (Invitae). Algorithms developed to predict the effect of missense changes on protein structure and function (SIFT, PolyPhen-2, Align-GVGD) all suggest that this variant is likely to be tolerated. In summary, the available evidence is currently insufficient to determine the role of this variant in disease. Therefore, it has been classified as a Variant of Uncertain Significance.

NM_001386393.1(PANK2):c.769G>T (p.Ala257Ser)

Gene: PANK2 (pantothenate kinase 2; plus strand). Cytogenetic location: 20p13.
Variant type: single nucleotide variant.
Coding change: c.769G>T on transcript NM_001386393.1 (MANE Select); coding-DNA position 769, G replaced by T.
Protein change: p.Ala257Ser; replaces alanine 257 with serine.
Molecular consequence: missense variant. On other transcripts: 5 prime UTR variant (1), non-coding transcript variant (1).
Genome position (GRCh38, 1-based): chr20:3,910,694, G>T. VCF-style: chr20-3910694-G-T. GRCh37 (hg19) VCF-style: chr20-3891341-G-T.
Other names: c.226G>T, p.Ala76Ser (NM_001324191.2, NM_024960.6, NM_153640.4); c.-210G>T (NM_001324193.2); c.1099G>T, p.Ala367Ser (NM_153638.4); short protein forms A367S, A76S, A257S.
Identifiers: ClinVar variation 567542 (VCV000567542.10), dbSNP rs1568572979, ClinGen allele CA408115045.